The following is an entry in ClinVar:

NM_001376.5(DYNC1H1):c.10414G>A (p.Val3472Ile)

Gene: DYNC1H1 (dynein cytoplasmic 1 heavy chain 1; plus strand). Cytogenetic location: 14q32.31.
Variant type: single nucleotide variant.
Coding change: c.10414G>A on transcript NM_001376.5 (MANE Select); coding-DNA position 10414, G replaced by A.
Protein change: p.Val3472Ile; replaces valine 3472 with isoleucine.
Molecular consequence: missense variant.
Genome position (GRCh38, 1-based): chr14:102,033,976, G>A. VCF-style: chr14-102033976-G-A. GRCh37 (hg19) VCF-style: chr14-102500313-G-A.
Other names: short protein forms V3472I.
Identifiers: ClinVar variation 1719444 (VCV001719444.6), dbSNP rs2503825820, ClinGen allele CA391025336.

ClinVar aggregate classification (germline): Uncertain significance. Review status: criteria provided, single submitter (1 of 4 stars). 2 submissions from 2 submitters: Uncertain significance (1). 1 of the submissions does not count toward it. Last evaluated 2024-10-24.

Conditions:
Charcot-Marie-Tooth disease axonal type 2O. Also called: Charcot-Marie-Tooth disease, axonal, type 20; CHARCOT-MARIE-TOOTH NEUROPATHY, AXONAL, TYPE 2O; CHARCOT-MARIE-TOOTH DISEASE, AXONAL, AUTOSOMAL DOMINANT, TYPE 2O; Charcot-Marie-Tooth Neuropathy Type 2O. Identifiers: Orphanet 284232, MedGen C3280220, MONDO:0013644, OMIM 614228.
DYNC1H1-related disorder. Also called: DYNC1H1-related condition; DYNC1H1-related disorders. Identifiers: MedGen CN381529.

Submissions (2):

Labcorp Genetics (formerly Invitae), Labcorp
Classification: Uncertain significance for Charcot-Marie-Tooth disease axonal type 2O. Last evaluated: 2024-10-24. Review status: criteria provided, single submitter. Criteria: Invitae Variant Classification Sherloc (09022015). Collection method: clinical testing. Allele origin: germline.
Comment: This sequence change replaces valine, which is neutral and non-polar, with isoleucine, which is neutral and non-polar, at codon 3472 of the DYNC1H1 protein (p.Val3472Ile). This variant is not present in population databases (gnomAD no frequency). This variant has not been reported in the literature in individuals affected with DYNC1H1-related conditions. ClinVar contains an entry for this variant (Variation ID: 1719444). An algorithm developed to predict the effect of missense changes on protein structure and function (PolyPhen-2) suggests that this variant is likely to be disruptive. In summary, the available evidence is currently insufficient to determine the role of this variant in disease. Therefore, it has been classified as a Variant of Uncertain Significance.

PreventionGenetics, part of Exact Sciences
Classification: Uncertain significance for DYNC1H1-related condition. Last evaluated: 2024-06-28. Review status: no assertion criteria provided. Collection method: clinical testing. Allele origin: germline. Not counted in ClinVar's aggregate classification.
Comment: The DYNC1H1 c.10414G>A variant is predicted to result in the amino acid substitution p.Val3472Ile. To our knowledge, this variant has not been reported in the literature or in a large population database, indicating this variant is rare. At this time, the clinical significance of this variant is uncertain due to the absence of conclusive functional and genetic evidence.